The following is an entry in ClinVar:

NM_032174.6(TOMM40L):c.*695C>A

Genes: NR1I3 (nuclear receptor subfamily 1 group I member 3; minus strand), TOMM40L (translocase of outer mitochondrial membrane 40 like; plus strand). Cytogenetic location: 1q23.3.
Variant type: single nucleotide variant.
Coding change: c.*695C>A on transcript NM_032174.6 (MANE Select); 695 bases downstream of the stop codon, C replaced by A.
Molecular consequence: 3 prime UTR variant. On other transcripts: intron variant (7).
Genome position (GRCh38, 1-based): chr1:161,229,790, C>A. VCF-style: chr1-161229790-C-A. GRCh37 (hg19) VCF-style: chr1-161199580-C-A.
Other names: c.*695C>A (NM_001286373.2, NM_001286374.2); c.*7G>T (NM_001077470.3, NM_001077471.3, NM_001077472.3 and 5 more transcripts); c.714-18G>T (NM_001077475.3); c.831-18G>T (NM_001077477.3); c.846-18G>T (NM_001077476.3); c.858-18G>T (NM_001077473.3); c.801-18G>T (NM_001077474.3); c.933-18G>T (NM_001077469.3); and 1 more.
Identifiers: ClinVar variation 3045625 (VCV003045625.2), dbSNP rs376510791, ClinGen allele CA1209593.

ClinVar aggregate classification (germline): Likely benign (0 of 4 stars; one submission).

Conditions:
TOMM40L-related disorder. Also called: TOMM40L-related condition.

Allele frequency attached by ClinVar (database versions not stated): 1000 Genomes Project 30x 0.00016; gnomAD 0.00018; 1000 Genomes Project 0.00020; TOPMed 0.00021; gnomAD exomes 0.00031; ExAC 0.00035; ESP Exome Variant Server 0.00054.
gnomAD v4.1: 474 of 1,614,210 alleles (0.029%); highest among the groups gnomAD compares: Middle Eastern, 0.066%; no homozygotes.

Submission:

PreventionGenetics, part of Exact Sciences
Classification: Likely benign for TOMM40L-related condition. Last evaluated: 2019-10-30. Review status: no assertion criteria provided. Collection method: clinical testing. Allele origin: germline.
Comment: This variant is classified as likely benign based on ACMG/AMP sequence variant interpretation guidelines (Richards et al. 2015 PMID: 25741868, with internal and published modifications).